The following is an entry in ClinVar:

ClinVar aggregate classification (germline): Uncertain significance (1 of 4 stars; one submission).

gnomAD v4.1: 4 of 1,614,128 alleles (0.00025%); highest among the groups gnomAD compares: Non-Finnish European, 0.00034%; no homozygotes.

Submission:

Labcorp Genetics (formerly Invitae), Labcorp
Classification: Uncertain significance. Last evaluated: 2025-03-16. Review status: criteria provided, single submitter. Criteria: Invitae Variant Classification Sherloc (09022015). Collection method: clinical testing. Allele origin: germline.
Comment: This sequence change replaces leucine, which is neutral and non-polar, with proline, which is neutral and non-polar, at codon 81 of the LYRM4 protein (p.Leu81Pro). This variant is present in population databases (no rsID available, gnomAD 0.0009%). This variant has not been reported in the literature in individuals affected with LYRM4-related conditions. An algorithm developed to predict the effect of missense changes on protein structure and function (PolyPhen-2) suggests that this variant is likely to be disruptive. In summary, the available evidence is currently insufficient to determine the role of this variant in disease. Therefore, it has been classified as a Variant of Uncertain Significance.

NM_020408.6(LYRM4):c.242T>C (p.Leu81Pro)

Genes: LYRM4 (LYR motif containing 4; minus strand), LYRM4-AS1 (LYRM4 antisense RNA 1; plus strand). Cytogenetic location: 6p25.1.
Variant type: single nucleotide variant.
Coding change: c.242T>C on transcript NM_020408.6 (MANE Select); coding-DNA position 242, T replaced by C.
Protein change: p.Leu81Pro; replaces leucine 81 with proline.
Molecular consequence: missense variant. On other transcripts: 3 prime UTR variant (1), non-coding transcript variant (2), intron variant (1).
Genome position (GRCh38, 1-based): chr6:5,109,457, A>G on the plus strand (T>C on the coding strand, the complement: LYRM4 is on the minus strand). VCF-style: chr6-5109457-A-G. GRCh37 (hg19) VCF-style: chr6-5109691-A-G.
Other names: c.*76T>C (NM_001164841.3); c.208-40791T>C (NM_001318783.1); short protein forms L81P.
Identifiers: ClinVar variation 3619377 (VCV003619377.2).